The following is an entry in ClinVar:

NM_000426.4(LAMA2):c.6908T>C (p.Met2303Thr)

Gene: LAMA2 (laminin subunit alpha 2; plus strand). Cytogenetic location: 6q22.33.
Variant type: single nucleotide variant.
Coding change: c.6908T>C on transcript NM_000426.4 (MANE Select); coding-DNA position 6908, T replaced by C.
Protein change: p.Met2303Thr; replaces methionine 2303 with threonine.
Molecular consequence: missense variant.
Genome position (GRCh38, 1-based): chr6:129,460,240, T>C. VCF-style: chr6-129460240-T-C. GRCh37 (hg19) VCF-style: chr6-129781385-T-C.
Other names: c.6908T>C, p.Met2303Thr (NM_001079823.2); short protein forms M2303T.
Identifiers: ClinVar variation 945403 (VCV000945403.4), dbSNP rs774505007, ClinGen allele CA3994392.

ClinVar aggregate classification (germline): Uncertain significance (1 of 4 stars; one submission).

Conditions:
LAMA2-related muscular dystrophy (LAMA2-RD). Also called: Laminin alpha 2-related dystrophy. Identifiers: MedGen C5679788, MONDO:0100228.

Allele frequency attached by ClinVar (database versions not stated): gnomAD exomes 0.00001 and 0.00002; TOPMed 0.00001; gnomAD 0.00003 and 0.00004; ExAC 0.00004.
gnomAD v4.1: 27 of 1,611,862 alleles (0.0017%); highest among the groups gnomAD compares: Non-Finnish European, 0.0019%; no homozygotes.

Submission:

Labcorp Genetics (formerly Invitae), Labcorp
Classification: Uncertain significance for LAMA2-related muscular dystrophy. Last evaluated: 2026-01-12. Review status: criteria provided, single submitter. Criteria: Invitae Variant Classification Sherloc (09022015). Collection method: clinical testing. Allele origin: germline.
Comment: This sequence change replaces methionine, which is neutral and non-polar, with threonine, which is neutral and polar, at codon 2303 of the LAMA2 protein (p.Met2303Thr). This variant is present in population databases (rs774505007, gnomAD 0.005%). This variant has not been reported in the literature in individuals affected with LAMA2-related conditions. ClinVar contains an entry for this variant (Variation ID: 945403). Invitae Evidence Modeling of protein sequence and biophysical properties (such as structural, functional, and spatial information, amino acid conservation, physicochemical variation, residue mobility, and thermodynamic stability) indicates that this missense variant is not expected to disrupt LAMA2 protein function with a negative predictive value of 95%. In summary, the available evidence is currently insufficient to determine the role of this variant in disease. Therefore, it has been classified as a Variant of Uncertain Significance.